The following is an entry in ClinVar:

ClinVar aggregate classification (germline): Uncertain significance. Review status: criteria provided, single submitter (1 of 4 stars). 3 submissions from 3 submitters: Uncertain significance (1). 2 of the submissions do not count toward it. Last evaluated 2025-06-27.

gnomAD v4.1: 5 of 1,610,910 alleles (0.00031%); highest among the groups gnomAD compares: Non-Finnish European, 0.00042%; no homozygotes.

Submissions (3):

Athena Diagnostics
Classification: Uncertain significance. Last evaluated: 2025-06-27. Review status: criteria provided, single submitter. Criteria: Athena Diagnostics Criteria. Collection method: clinical testing. Allele origin: unknown.
Comment: Available data are insufficient to determine the clinical significance of the variant at this time. This variant has not been reported in large, multi-ethnic general populations. Polyphen and MutationTaster predict this amino acid change may be damaging to the protein.

Diagnostic Laboratory, Department of Genetics, University Medical Center Groningen
Classification: Uncertain significance. Review status: no assertion criteria provided. Collection method: clinical testing. Allele origin: germline. Affected: yes. Study: VKGL Data-share Consensus. Not counted in ClinVar's aggregate classification.

Joint Genome Diagnostic Labs from Nijmegen and Maastricht, Radboudumc and MUMC+
Classification: Uncertain significance. Review status: no assertion criteria provided. Collection method: clinical testing. Allele origin: germline. Affected: yes. Study: VKGL Data-share Consensus. Not counted in ClinVar's aggregate classification.

Literature cited by the submitters: PubMed 29517769 (cited by Athena Diagnostics).

NM_001267550.2(TTN):c.51443C>G (p.Pro17148Arg)

Genes: TTN (titin; minus strand), TTN-AS1 (TTN antisense RNA 1; plus strand). Cytogenetic location: 2q31.2.
Variant type: single nucleotide variant.
Coding change: c.51443C>G on transcript NM_001267550.2 (MANE Select); coding-DNA position 51443, C replaced by G.
Protein change: p.Pro17148Arg; replaces proline 17148 with arginine.
Molecular consequence: missense variant.
Genome position (GRCh38, 1-based): chr2:178,609,980, G>C on the plus strand (C>G on the coding strand, the complement: TTN is on the minus strand). VCF-style: chr2-178609980-G-C. GRCh37 (hg19) VCF-style: chr2-179474707-G-C.
Other names: c.46520C>G, p.Pro15507Arg (NM_001256850.1); c.24248C>G, p.Pro8083Arg (NM_003319.4); c.43739C>G, p.Pro14580Arg (NM_133378.4); c.24623C>G, p.Pro8208Arg (NM_133432.3); c.24824C>G, p.Pro8275Arg (NM_133437.4); c.51443C>G (NM_001267550.1); short protein forms P14580R, P15507R, P17148R, P8083R, P8208R, P8275R.
Identifiers: ClinVar variation 1174773 (VCV001174773.6), dbSNP rs2154198776, ClinGen allele CA349585709.